The following is an entry in ClinVar:

NM_001242957.3(MAK):c.668_671del (p.Asp223fs)

Gene: MAK (male germ cell associated kinase; minus strand). Cytogenetic location: 6p24.2.
Variant type: Deletion.
Coding change: c.668_671del on transcript NM_001242957.3 (MANE Select); coding-DNA positions 668 to 671, 4 bases deleted (ACTG; older notation c.668_671delACTG).
Protein change: p.Asp223fs; shifts the reading frame from aspartic acid 223.
Molecular consequence: frameshift variant. On other transcripts: non-coding transcript variant (2).
Genome position (GRCh38, 1-based): chr6:10,802,052-10,802,055, CAGT deleted on the plus strand (ACTG on the coding strand, the reverse complement: MAK is on the minus strand); deleting any 4 consecutive bases within chr6:10,802,052-10,802,057 gives the same sequence; the c. name uses the placement nearest the transcript's 3' end. VCF-style (leftmost placement, unchanged base first): chr6-10802051-CCAGT-C. GRCh37 (hg19) VCF-style: chr6-10802284-CCAGT-C.
Other names: c.668_671del, p.Asp223fs (NM_001242385.2, NM_005906.6); c.566_569del, p.Asp189fs (NM_001377262.1); short protein forms D189fs, D223fs.
Identifiers: ClinVar variation 1934781 (VCV001934781.8), dbSNP rs868081622, ClinGen allele CA134118753.

ClinVar aggregate classification (germline): Conflicting classifications of pathogenicity. Review status: criteria provided, conflicting classifications (1 of 4 stars). 2 submissions from 2 submitters: Pathogenic (1); Uncertain significance (1). Last evaluated 2023-08-05.

Conditions:
Retinal dystrophy. Also called: Inherited retinal dystrophy. Identifiers: Orphanet 71862, MedGen C0854723, MeSH D058499, MONDO:0019118, HP:0000556.

Submissions (2):

Labcorp Genetics (formerly Invitae), Labcorp
Classification: Pathogenic. Last evaluated: 2023-08-05. Review status: criteria provided, single submitter. Criteria: Invitae Variant Classification Sherloc (09022015). Collection method: clinical testing. Allele origin: germline.
Comment: This sequence change creates a premature translational stop signal (p.Asp223Glyfs*11) in the MAK gene. It is expected to result in an absent or disrupted protein product. Loss-of-function variants in MAK are known to be pathogenic (PMID: 21148103, 21825139, 24938718, 29781741). For these reasons, this variant has been classified as Pathogenic. ClinVar contains an entry for this variant (Variation ID: 1934781). This variant has not been reported in the literature in individuals affected with MAK-related conditions. This variant is present in population databases (no rsID available, gnomAD 0.006%).

Institute of Human Genetics, Univ. Regensburg, Univ. Regensburg
Classification: Uncertain significance for Retinal dystrophy. Last evaluated: 2021-01-01. Review status: criteria provided, single submitter. Criteria: ACMG Guidelines, 2015. Collection method: clinical testing. Allele origin: germline. Affected: yes.

Literature cited by the submitters: PubMed 21148103 (cited by Labcorp Genetics (formerly Invitae), Labcorp); PubMed 21825139 (cited by Labcorp Genetics (formerly Invitae), Labcorp); PubMed 24938718 (cited by Labcorp Genetics (formerly Invitae), Labcorp); PubMed 29781741 (cited by Labcorp Genetics (formerly Invitae), Labcorp); PubMed 31964843 (cited by Institute of Human Genetics, Univ. Regensburg, Univ. Regensburg).